The following is an entry in ClinVar:

NM_000383.4(AIRE):c.463+5C>A

Gene: AIRE (autoimmune regulator; plus strand). Cytogenetic location: 21q22.3.
Variant type: single nucleotide variant.
Coding change: c.463+5C>A on transcript NM_000383.4 (MANE Select); 5 bases into the intron after coding-DNA position 463, C replaced by A.
Molecular consequence: intron variant.
Genome position (GRCh38, 1-based): chr21:44,287,138, C>A. VCF-style: chr21-44287138-C-A. GRCh37 (hg19) VCF-style: chr21-45707021-C-A.
Identifiers: ClinVar variation 2174705 (VCV002174705.2), dbSNP rs569224551, ClinGen allele CA10051564.

ClinVar aggregate classification (germline): Uncertain significance. Review status: criteria provided, multiple submitters, no conflicts (2 of 4 stars). 2 submissions from 2 submitters: Uncertain significance (2). Last evaluated 2024-07-28.

Conditions:
Polyglandular autoimmune syndrome, type 1 (APS1). Also called: AUTOIMMUNE POLYENDOCRINE SYNDROME, TYPE I, WITH OR WITHOUT REVERSIBLE METAPHYSEAL DYSPLASIA; Whitaker syndrome; Autoimmune polyendocrinopathy syndrome, type I; Autoimmune polyendocrine syndrome type 1; HYPOADRENOCORTICISM WITH HYPOPARATHYROIDISM AND SUPERFICIAL MONILIASIS; PGA I. Identifiers: Orphanet 3453, MedGen C0085859, MONDO:0009411, OMIM 240300.

Allele frequency attached by ClinVar (database versions not stated): TOPMed below 0.00001; gnomAD 0.00001; ExAC 0.00003; 1000 Genomes Project 30x 0.00016; 1000 Genomes Project 0.00020.
gnomAD v4.1: 24 of 1,612,038 alleles (0.0015%); highest among the groups gnomAD compares: East Asian, 0.051%; no homozygotes.

Submissions (2):

Women's Health and Genetics/Laboratory Corporation of America, LabCorp
Classification: Uncertain significance. Last evaluated: 2024-07-28. Review status: criteria provided, single submitter. Criteria: LabCorp Variant Classification Summary - May 2015. Collection method: clinical testing. Allele origin: germline.

Labcorp Genetics (formerly Invitae), Labcorp
Classification: Uncertain significance for Polyglandular autoimmune syndrome, type 1. Last evaluated: 2021-08-31. Review status: criteria provided, single submitter. Criteria: Invitae Variant Classification Sherloc (09022015). Collection method: clinical testing. Allele origin: germline.
Comment: This sequence change falls in intron 3 of the AIRE gene. It does not directly change the encoded amino acid sequence of the AIRE protein. It affects a nucleotide within the consensus splice site of the intron. This variant is present in population databases (rs569224551, ExAC 0.04%). This variant has not been reported in the literature in individuals affected with AIRE-related conditions. Variants that disrupt the consensus splice site are a relatively common cause of aberrant splicing (PMID: 17576681, 9536098). Algorithms developed to predict the effect of sequence changes on RNA splicing suggest that this variant may disrupt the consensus splice site. In summary, the available evidence is currently insufficient to determine the role of this variant in disease. Therefore, it has been classified as a Variant of Uncertain Significance.

Literature cited by the submitters: PubMed 17576681 (cited by Labcorp Genetics (formerly Invitae), Labcorp); PubMed 9536098 (cited by Labcorp Genetics (formerly Invitae), Labcorp).